The following is an entry in ClinVar:

NM_001286577.2(C2CD3):c.1534C>T (p.Gln512Ter)

Gene: C2CD3 (C2 domain containing 3 centriole elongation regulator; minus strand). Cytogenetic location: 11q13.4.
Variant type: single nucleotide variant.
Coding change: c.1534C>T on transcript NM_001286577.2 (MANE Select); coding-DNA position 1534, C replaced by T.
Protein change: p.Gln512Ter; replaces glutamine 512 with a stop codon.
Molecular consequence: nonsense.
Genome position (GRCh38, 1-based): chr11:74,114,580, G>A on the plus strand (C>T on the coding strand, the complement: C2CD3 is on the minus strand). VCF-style: chr11-74114580-G-A. GRCh37 (hg19) VCF-style: chr11-73825625-G-A.
Other names: c.1534C>T, p.Gln512Ter (NM_015531.6); short protein forms Q512*.
Identifiers: ClinVar variation 4780609 (VCV004780609.1).

ClinVar aggregate classification (germline): Pathogenic (1 of 4 stars; one submission).

Submission:

Labcorp Genetics (formerly Invitae), Labcorp
Classification: Pathogenic. Last evaluated: 2025-05-12. Review status: criteria provided, single submitter. Criteria: Invitae Variant Classification Sherloc (09022015). Collection method: clinical testing. Allele origin: germline.
Comment: This sequence change creates a premature translational stop signal (p.Gln512*) in the C2CD3 gene. It is expected to result in an absent or disrupted protein product. Loss-of-function variants in C2CD3 are known to be pathogenic (PMID: 24997988, 26477546). This variant is not present in population databases (gnomAD no frequency). This variant has not been reported in the literature in individuals affected with C2CD3-related conditions. Algorithms developed to predict the effect of sequence changes on RNA splicing suggest that this variant may disrupt the consensus splice site. For these reasons, this variant has been classified as Pathogenic.

Literature cited by the submitters: PubMed 24997988; PubMed 26477546.